The following is an entry in ClinVar:

NM_005859.5(PURA):c.354C>T (p.Ile118=)

Gene: PURA (purine rich element binding protein A; plus strand). Cytogenetic location: 5q31.3.
Variant type: single nucleotide variant.
Coding change: c.354C>T on transcript NM_005859.5 (MANE Select); coding-DNA position 354, C replaced by T.
Protein change: p.Ile118=; no amino-acid change (isoleucine 118 retained).
Molecular consequence: synonymous variant.
Genome position (GRCh38, 1-based): chr5:140,114,535, C>T. VCF-style: chr5-140114535-C-T. GRCh37 (hg19) VCF-style: chr5-139494120-C-T.
Identifiers: ClinVar variation 4740613 (VCV004740613.1).
Genomic context (GRCh38, chr5:140,114,535, plus strand): 5'-CCGCCTTACTCTCTCCATGTCAGTGGCCGTGGAGTTCCGCGACTACCTGGGCGACTTCAT[C>T]GAGCACTACGCGCAGCTGGGCCCCAGCCAGCCGCCGGACCTGGCCCAGGCGCAGGACGAG-3'
Protein context (NP_005850.1, residues 108-128): VEFRDYLGDF[Ile118=]EHYAQLGPSQ

ClinVar aggregate classification (germline): Uncertain significance (1 of 4 stars; one submission).

Conditions:
PURA-related severe neonatal hypotonia-seizures-encephalopathy syndrome (NEDRIHF). Also called: NEURODEVELOPMENTAL DISORDER WITH NEONATAL RESPIRATORY INSUFFICIENCY, HYPOTONIA, AND FEEDING DIFFICULTIES; PURA-Related Neurodevelopmental Disorders. Identifiers: Orphanet 438213, Orphanet 438216, MedGen C4015357, MONDO:1060108, OMIM 616158, MONDO:0018580.

Submission:

Labcorp Genetics (formerly Invitae), Labcorp
Classification: Uncertain significance for PURA-related severe neonatal hypotonia-seizures-encephalopathy syndrome. Last evaluated: 2025-03-19. Review status: criteria provided, single submitter. Criteria: Invitae Variant Classification Sherloc (09022015). Collection method: clinical testing. Allele origin: germline.
Comment: This sequence change affects codon 118 of the PURA mRNA. It is a 'silent' change, meaning that it does not change the encoded amino acid sequence of the PURA protein. This variant is not present in population databases (gnomAD no frequency). This variant has not been reported in the literature in individuals affected with PURA-related conditions. In summary, the available evidence is currently insufficient to determine the role of this variant in disease. Therefore, it has been classified as a Variant of Uncertain Significance.